The following is an entry in ClinVar:

ClinVar aggregate classification (germline): Uncertain significance (1 of 4 stars; one submission).

Conditions:
Hereditary spastic paraplegia 63. Also called: Spastic paraplegia 63, autosomal recessive. Identifiers: Orphanet 401805, MedGen C3810295, MONDO:0014305, OMIM 615686.
Pontocerebellar hypoplasia type 9. Identifiers: Orphanet 369920, MedGen C4014354, MONDO:0014351, OMIM 615809.

gnomAD v4.1: 1 of 1,611,906 alleles (0.000062%); highest among the groups gnomAD compares: Non-Finnish European, 0.000085%; no homozygotes.

Submission:

Labcorp Genetics (formerly Invitae), Labcorp
Classification: Uncertain significance for Pontocerebellar hypoplasia type 9; Hereditary spastic paraplegia 63. Last evaluated: 2022-05-26. Review status: criteria provided, single submitter. Criteria: Invitae Variant Classification Sherloc (09022015). Collection method: clinical testing. Allele origin: germline.
Comment: In summary, the available evidence is currently insufficient to determine the role of this variant in disease. Therefore, it has been classified as a Variant of Uncertain Significance. Algorithms developed to predict the effect of missense changes on protein structure and function are either unavailable or do not agree on the potential impact of this missense change (SIFT: "Deleterious"; PolyPhen-2: "Probably Damaging"; Align-GVGD: "Class C0"). This variant has not been reported in the literature in individuals affected with AMPD2-related conditions. This variant is not present in population databases (gnomAD no frequency). This sequence change replaces glutamic acid, which is acidic and polar, with lysine, which is basic and polar, at codon 779 of the AMPD2 protein (p.Glu779Lys).

NM_001368809.2(AMPD2):c.2173G>A (p.Glu725Lys)

Gene: AMPD2 (adenosine monophosphate deaminase 2; plus strand). Cytogenetic location: 1p13.3.
Variant type: single nucleotide variant.
Coding change: c.2173G>A on transcript NM_001368809.2 (MANE Select); coding-DNA position 2173, G replaced by A.
Protein change: p.Glu725Lys; replaces glutamic acid 725 with lysine.
Molecular consequence: missense variant.
Genome position (GRCh38, 1-based): chr1:109,630,698, G>A. VCF-style: chr1-109630698-G-A. GRCh37 (hg19) VCF-style: chr1-110173320-G-A.
Other names: c.2335G>A, p.Glu779Lys (NM_001257360.2); c.1981G>A, p.Glu661Lys (NM_001257361.2); c.2110G>A, p.Glu704Lys (NM_001308170.1); c.2173G>A, p.Glu725Lys (NM_004037.9); c.2092G>A, p.Glu698Lys (NM_139156.4); short protein forms E661K, E704K, E725K, E779K, E698K.
Identifiers: ClinVar variation 2146034 (VCV002146034.4), dbSNP rs1419885475, ClinGen allele CA341562803.